The following is an entry in ClinVar:

NM_182746.3(MCM4):c.124T>G (p.Ser42Ala)

Gene: MCM4 (minichromosome maintenance complex component 4; plus strand). Cytogenetic location: 8q11.21.
Variant type: single nucleotide variant.
Coding change: c.124T>G on transcript NM_182746.3 (MANE Select); coding-DNA position 124, T replaced by G.
Protein change: p.Ser42Ala; replaces serine 42 with alanine.
Molecular consequence: missense variant.
Genome position (GRCh38, 1-based): chr8:47,961,569, T>G. VCF-style: chr8-47961569-T-G. GRCh37 (hg19) VCF-style: chr8-48874129-T-G.
Other names: c.124T>G, p.Ser42Ala (NM_005914.4); short protein forms S42A.
Identifiers: ClinVar variation 4726779 (VCV004726779.1).

ClinVar aggregate classification (germline): Uncertain significance (1 of 4 stars; one submission).

gnomAD v4.1: 1 of 1,614,182 alleles (0.000062%); highest among the groups gnomAD compares: Non-Finnish European, 0.000085%; no homozygotes.

Submission:

Labcorp Genetics (formerly Invitae), Labcorp
Classification: Uncertain significance. Last evaluated: 2025-09-07. Review status: criteria provided, single submitter. Criteria: Invitae Variant Classification Sherloc (09022015). Collection method: clinical testing. Allele origin: germline.
Comment: This sequence change replaces serine, which is neutral and polar, with alanine, which is neutral and non-polar, at codon 42 of the MCM4 protein (p.Ser42Ala). This variant is not present in population databases (gnomAD no frequency). This variant has not been reported in the literature in individuals affected with MCM4-related conditions. An algorithm developed to predict the effect of missense changes on protein structure and function (PolyPhen-2) suggests that this variant is likely to be tolerated. In summary, the available evidence is currently insufficient to determine the role of this variant in disease. Therefore, it has been classified as a Variant of Uncertain Significance.